The following is an entry in ClinVar:

NM_000815.5(GABRD):c.147C>T (p.Ala49=)

Gene: GABRD (gamma-aminobutyric acid type A receptor subunit delta; plus strand). Cytogenetic location: 1p36.33.
Variant type: single nucleotide variant.
Coding change: c.147C>T on transcript NM_000815.5 (MANE Select); coding-DNA position 147, C replaced by T.
Protein change: p.Ala49=; no amino-acid change (alanine 49 retained).
Molecular consequence: synonymous variant.
Genome position (GRCh38, 1-based): chr1:2,025,020, C>T. VCF-style: chr1-2025020-C-T. GRCh37 (hg19) VCF-style: chr1-1956459-C-T.
Identifiers: ClinVar variation 374418 (VCV000374418.51), dbSNP rs147463074, ClinGen allele CA534524.

ClinVar aggregate classification (germline): Likely benign. Review status: criteria provided, multiple submitters, no conflicts (2 of 4 stars). 2 submissions from 2 submitters: Likely benign (2). Last evaluated 2025-08-30.

Conditions:
Idiopathic generalized epilepsy. Also called: Generalised epilepsy; EIG. Identifiers: MedGen C0270850, MONDO:0005579, OMIM 600669.

Allele frequency attached by ClinVar (database versions not stated): gnomAD 0.00004; gnomAD exomes 0.00004 and 0.00009; TOPMed 0.00005; ExAC 0.00006; ESP Exome Variant Server 0.00008.
gnomAD v4.1: 67 of 1,612,554 alleles (0.0042%); highest among the groups gnomAD compares: Middle Eastern, 0.033%; no homozygotes.

Submissions (2):

Labcorp Genetics (formerly Invitae), Labcorp
Classification: Likely benign for Idiopathic generalized epilepsy. Last evaluated: 2025-08-30. Review status: criteria provided, single submitter. Criteria: Invitae Variant Classification Sherloc (09022015). Collection method: clinical testing. Allele origin: germline.

CeGaT Center for Human Genetics Tuebingen
Classification: Likely benign. Last evaluated: 2022-05-01. Review status: criteria provided, single submitter. Criteria: CeGaT Center For Human Genetics Tuebingen Variant Classification Criteria Version 2. Collection method: clinical testing. Allele origin: germline. Affected: yes. Observed: 2 variant alleles.
Comment: GABRD: BP4, BP7